The following is an entry in ClinVar:

ClinVar aggregate classification (germline): Pathogenic (1 of 4 stars; one submission).

Conditions:
Hereditary cancer-predisposing syndrome. Also called: Neoplastic Syndromes, Hereditary; Tumor predisposition; Hereditary Cancer Syndrome; Hereditary neoplastic syndrome. Identifiers: Orphanet 140162, MedGen C0027672, MeSH D009386, MONDO:0015356.

Submission:

Ambry Genetics
Classification: Pathogenic for Hereditary cancer-predisposing syndrome. Last evaluated: 2017-02-21. Review status: criteria provided, single submitter. Criteria: Ambry Variant Classification Scheme 2023. Collection method: clinical testing. Allele origin: germline.
Comment: The EX19dup gross duplication spans coding exon 19 in the BRCA2 gene. A duplication of this region, referred to as dup exon 20, was observed in two breast cancer families from Spain that had previously tested negative on BRCA1/2 sequencing (Gutierrez-Enriquez S et al. Breast Cancer Res Treat. 2007 May;103(1):103-7). Additional analysis to determine breakpoints identified that this duplication is in tandem and is predicted to result in a premature truncation causing a translational frameshift with a predicted alternate stop codon (Ambry internal data). As such, this alteration is interpreted as a disease-causing mutation.

Literature cited by the submitters: PubMed 17063271.

NM_000059.4(BRCA2):c.8433_8632+531dup

Gene: BRCA2 (BRCA2 DNA repair associated; plus strand). Cytogenetic location: 13q13.1.
Variant type: Duplication.
Coding change: c.8433_8632+531dup on transcript NM_000059.4 (MANE Select); coding-DNA position 8433 through 531 bases into the intron after coding-DNA position 8632, 1,129 bases duplicated.
Molecular consequence: splice acceptor variant, splice donor variant.
Genome position (GRCh38, 1-based): chr13:32,370,503-32,371,631, 1,129 bases duplicated. GRCh37 (hg19): chr13:32,944,640-32,945,768.
Identifiers: ClinVar variation 1763367 (VCV001763367.2), ClinGen allele CA2580087371.